The following is an entry in ClinVar:

ClinVar aggregate classification (germline): Uncertain significance. Review status: criteria provided, multiple submitters, no conflicts (2 of 4 stars). 3 submissions from 3 submitters: Uncertain significance (3). Last evaluated 2026-06-26.

Conditions:
SCLT1-related disorder. Also called: SCLT1-related condition.

Allele frequency attached by ClinVar (database versions not stated): gnomAD exomes 0.00003; ExAC 0.00004; gnomAD 0.00004 and 0.00003; ESP Exome Variant Server 0.00008; TOPMed 0.00002.
gnomAD v4.1: 54 of 1,610,032 alleles (0.0034%); highest among the groups gnomAD compares: Non-Finnish European, 0.0042%; no homozygotes.

Submissions (3):

PreventionGenetics, part of Exact Sciences
Classification: Uncertain significance for SCLT1-related condition. Last evaluated: 2026-06-26. Review status: criteria provided, single submitter. Criteria: ACMG Guidelines, 2015. Collection method: clinical testing. Allele origin: germline.
Comment: The SCLT1 c.808G>C variant is predicted to result in the amino acid substitution p.Glu270Gln. To our knowledge, this variant has not been reported in the literature. This variant is reported in 0.0080% of alleles in individuals of African descent in gnomAD. At this time, the clinical significance of this variant is uncertain due to the absence of conclusive functional and genetic evidence.

Blueprint Genetics
Classification: Uncertain significance. Last evaluated: 2023-07-03. Review status: criteria provided, single submitter. Criteria: ACMG Guidelines, 2015. Collection method: clinical testing. Allele origin: germline.

Labcorp Genetics (formerly Invitae), Labcorp
Classification: Uncertain significance. Last evaluated: 2022-07-06. Review status: criteria provided, single submitter. Criteria: Invitae Variant Classification Sherloc (09022015). Collection method: clinical testing. Allele origin: germline.
Comment: This sequence change replaces glutamic acid, which is acidic and polar, with glutamine, which is neutral and polar, at codon 270 of the SCLT1 protein (p.Glu270Gln). This variant is present in population databases (rs369084418, gnomAD 0.008%). This variant has not been reported in the literature in individuals affected with SCLT1-related conditions. ClinVar contains an entry for this variant (Variation ID: 1505438). Algorithms developed to predict the effect of missense changes on protein structure and function (SIFT, PolyPhen-2, Align-GVGD) all suggest that this variant is likely to be disruptive. In summary, the available evidence is currently insufficient to determine the role of this variant in disease. Therefore, it has been classified as a Variant of Uncertain Significance.

NM_144643.4(SCLT1):c.808G>C (p.Glu270Gln)

Gene: SCLT1 (sodium channel and clathrin linker 1; minus strand). Cytogenetic location: 4q28.2.
Variant type: single nucleotide variant.
Coding change: c.808G>C on transcript NM_144643.4 (MANE Select); coding-DNA position 808, G replaced by C.
Protein change: p.Glu270Gln; replaces glutamic acid 270 with glutamine.
Molecular consequence: missense variant.
Genome position (GRCh38, 1-based): chr4:128,965,288, C>G on the plus strand (G>C on the coding strand, the complement: SCLT1 is on the minus strand). VCF-style: chr4-128965288-C-G. GRCh37 (hg19) VCF-style: chr4-129886443-C-G.
Other names: c.808G>C (NM_144643.3); short protein forms E270Q.
Identifiers: ClinVar variation 1505438 (VCV001505438.7), dbSNP rs369084418, ClinGen allele CA3079799.
Genomic context (GRCh38, chr4:128,965,288, plus strand): 5'-TTATTTCTAATTGTTTTATACTAGACTGTAACTGCTGTAAACGCCTATCTGATGCTTCCT[C>G]TCTTCCATGGGCAGACACCACATCCTTCTCCTAGAAAATAAAGAAACTAGAAGCTTACTT-3'
Protein context (NP_653244.2, residues 260-280): EKDVVSAHGR[Glu270Gln]EASDRRLQQL